The following is an entry in ClinVar:

ClinVar aggregate classification (germline): Conflicting classifications of pathogenicity. Review status: criteria provided, conflicting classifications (1 of 4 stars). 3 submissions from 3 submitters: Likely pathogenic (2); Uncertain significance (1). Last evaluated 2026-07-14.

Conditions:
VPS13A-related neurodegenerative disease. Also called: Choreaacanthocytosis; ACANTHOCYTOSIS WITH NEUROLOGIC DISORDER; LEVINE-CRITCHLEY SYNDROME; Choreoacanthocytosis; Chorea-acanthocytosis; VPS13A Disease. Identifiers: Orphanet 2388, MedGen C0393576, MONDO:0008695, OMIM 200150.

Allele frequency attached by ClinVar (database versions not stated): gnomAD 0.00001; TOPMed 0.00001.
gnomAD v4.1: 6 of 1,452,274 alleles (0.00041%); highest among the groups gnomAD compares: Non-Finnish European, 0.00056%; no homozygotes.

Submissions (3):

Myriad Genetics, Inc.
Classification: Uncertain significance for VPS13A-related neurodegenerative disease. Last evaluated: 2026-07-14. Review status: criteria provided, single submitter. Criteria: Myriad Autosomal Dominant, Autosomal Recessive and X-Linked Classification Criteria (2023). Collection method: clinical testing. Allele origin: unknown.
Comment: NM_033305.2(VPS13A):c.188-2A>G is a variant in a canonical splice site classified as a variant of uncertain significance in the context of VPS13A disease. c.188-2A>G has not been observed in cases with relevant disease. Relevant functional assessments of this variant are not available in the literature. c.188-2A>G has been observed in referenced population frequency databases. In summary, there is insufficient evidence to classify NM_033305.2(VPS13A):c.188-2A>G as pathogenic or benign. Please note: this variant was assessed in the context of healthy population screening.

Labcorp Genetics (formerly Invitae), Labcorp
Classification: Likely pathogenic. Last evaluated: 2024-03-07. Review status: criteria provided, single submitter. Criteria: Invitae Variant Classification Sherloc (09022015). Collection method: clinical testing. Allele origin: germline.
Comment: This sequence change affects an acceptor splice site in intron 3 of the VPS13A gene. It is expected to disrupt RNA splicing. Variants that disrupt the donor or acceptor splice site typically lead to a loss of protein function (PMID: 16199547), and loss-of-function variants in VPS13A are known to be pathogenic (PMID: 12404112, 21598378). The frequency data for this variant in the population databases is considered unreliable, as metrics indicate poor data quality at this position in the gnomAD database. This variant has not been reported in the literature in individuals affected with VPS13A-related conditions. ClinVar contains an entry for this variant (Variation ID: 1515185). Algorithms developed to predict the effect of sequence changes on RNA splicing suggest that this variant may disrupt the consensus splice site. In summary, the currently available evidence indicates that the variant is pathogenic, but additional data are needed to prove that conclusively. Therefore, this variant has been classified as Likely Pathogenic.

Fulgent Genetics
Classification: Likely pathogenic for VPS13A-related neurodegenerative disease. Last evaluated: 2024-01-04. Review status: criteria provided, single submitter. Criteria: ACMG Guidelines, 2015. Collection method: clinical testing. Allele origin: germline.

Literature cited by the submitters: PubMed 16199547 (cited by Labcorp Genetics (formerly Invitae), Labcorp); PubMed 12404112 (cited by Labcorp Genetics (formerly Invitae), Labcorp); PubMed 21598378 (cited by Labcorp Genetics (formerly Invitae), Labcorp).

NM_033305.3(VPS13A):c.188-2A>G

Gene: VPS13A (vacuolar protein sorting 13 homolog A; plus strand). Cytogenetic location: 9q21.2.
Variant type: single nucleotide variant.
Coding change: c.188-2A>G on transcript NM_033305.3 (MANE Select); the canonical splice acceptor site of the intron before coding-DNA position 188, A replaced by G.
Molecular consequence: splice acceptor variant.
Genome position (GRCh38, 1-based): chr9:77,205,311, A>G. VCF-style: chr9-77205311-A-G. GRCh37 (hg19) VCF-style: chr9-79820227-A-G.
Other names: c.188-2A>G (NM_001018037.2, NM_015186.4, NM_001018038.3).
Identifiers: ClinVar variation 1515185 (VCV001515185.10), dbSNP rs1312425146, ClinGen allele CA373841625.